The following is an entry in ClinVar:

NM_001384474.1(LOXHD1):c.5992_5998delinsCA (p.Thr1998fs)

Gene: LOXHD1 (lipoxygenase homology PLAT domains 1; minus strand). Cytogenetic location: 18q21.1.
Variant type: Indel.
Coding change: c.5992_5998delinsCA on transcript NM_001384474.1 (MANE Select); coding-DNA positions 5992 to 5998, ACGGTCC replaced by CA.
Protein change: p.Thr1998fs; shifts the reading frame from threonine 1998.
Molecular consequence: frameshift variant.
Genome position (GRCh38, 1-based): chr18:46,489,023-46,489,029, GGACCGT replaced by TG on the plus strand (ACGGTCC replaced by CA on the coding strand, the reverse complement: LOXHD1 is on the minus strand). VCF-style: chr18-46489023-GGACCGT-TG. GRCh37 (hg19) VCF-style: chr18-44068986-GGACCGT-TG.
Other names: c.2659_2665delinsCA, p.Thr887fs (NM_001145472.3); c.709_715delinsCA, p.Thr237fs (NM_001145473.3, NM_001173129.2); c.2371_2377delinsCA, p.Thr791fs (NM_001308013.2); c.5806_5812delinsCA, p.Thr1936fs (NM_144612.7); short protein forms T1936fs, T1998fs, T237fs, T791fs, T887fs.
Identifiers: ClinVar variation 1726505 (VCV001726505.2), dbSNP rs2511396500, ClinGen allele CA2580095863.

ClinVar aggregate classification (germline): Likely pathogenic (1 of 4 stars; one submission).

Conditions:
Autosomal recessive nonsyndromic hearing loss 77. Identifiers: Orphanet 90636, MedGen C2746083, MONDO:0013119, OMIM 613079.

Submission:

Myriad Genetics, Inc.
Classification: Likely pathogenic for Autosomal recessive nonsyndromic hearing loss 77. Last evaluated: 2021-12-17. Review status: criteria provided, single submitter. Criteria: Myriad Women's Health Autosomal Recessive and X-Linked Classification Criteria (2021). Collection method: clinical testing. Allele origin: unknown.
Comment: NM_144612.6(LOXHD1):c.5806_5812del7ins2(T1936Qfs*12) is expected to be pathogenic in the context of LOXHD1-related DFNB77 hearing loss and deafness. This variant is predicted to lead to an abnormal or absent protein product due to the creation of a premature termination codon in LOXHD1, a gene where loss-of-function variants are known to be pathogenic. Please note: this variant was assessed in the context of healthy population screening.